The following is an entry in ClinVar:

NM_000465.4(BARD1):c.2166C>A (p.Tyr722Ter)

Gene: BARD1 (BRCA1 associated RING domain 1; minus strand). Cytogenetic location: 2q35.
Variant type: single nucleotide variant.
Coding change: c.2166C>A on transcript NM_000465.4 (MANE Select); coding-DNA position 2166, C replaced by A.
Protein change: p.Tyr722Ter; replaces tyrosine 722 with a stop codon.
Molecular consequence: nonsense. On other transcripts: non-coding transcript variant (3).
Genome position (GRCh38, 1-based): chr2:214,728,844, G>T on the plus strand (C>A on the coding strand, the complement: BARD1 is on the minus strand). VCF-style: chr2-214728844-G-T. GRCh37 (hg19) VCF-style: chr2-215593568-G-T.
Other names: c.2109C>A, p.Tyr703Ter (NM_001282543.2); c.813C>A, p.Tyr271Ter (NM_001282545.2); c.756C>A, p.Tyr252Ter (NM_001282548.2); c.627C>A, p.Tyr209Ter (NM_001282549.2); short protein forms Y252*, Y703*, Y271*, Y722*, Y209*.
Identifiers: ClinVar variation 1483216 (VCV001483216.9), dbSNP rs2105987094, ClinGen allele CA350450418.
Genomic context (GRCh38, chr2:214,728,844, plus strand): 5'-CAAATCTTCATAGATGATATACTGTGTGCAGAAGCGCTGATCAGAATCGGGTCTCGCATG[G>T]TATGCGACTGTATTGATGGTCTGAGTCACGTCACTGTCTGGCTTGGGCTTTCTACTGAGG-3'

ClinVar aggregate classification (germline): Likely pathogenic (1 of 4 stars; one submission).

Conditions:
Familial cancer of breast. Also called: hereditary breast carcinoma; Hereditary breast cancer; BREAST CANCER, FAMILIAL. Identifiers: Orphanet 227535, MedGen C0346153, MONDO:0016419, OMIM 114480. Disease mechanism: loss of function.

gnomAD v4.1: 1 of 1,614,176 alleles (0.000062%); highest among the groups gnomAD compares: Non-Finnish European, 0.000085%; no homozygotes.

Submission:

Labcorp Genetics (formerly Invitae), Labcorp
Classification: Likely pathogenic for Familial cancer of breast. Last evaluated: 2025-07-31. Review status: criteria provided, single submitter. Criteria: Invitae Variant Classification Sherloc (09022015). Collection method: clinical testing. Allele origin: germline.
Comment: This sequence change creates a premature translational stop signal (p.Tyr722*) in the BARD1 gene. While this is not anticipated to result in nonsense mediated decay, it is expected to disrupt the last 56 amino acid(s) of the BARD1 protein. This variant is not present in population databases (gnomAD no frequency). This variant has not been reported in the literature in individuals affected with BARD1-related conditions. ClinVar contains an entry for this variant (Variation ID: 1483216). This variant disrupts the C-terminal BRCT domain of BARD1 protein, which is required for chromosome stability and homology-directed repair (PMID: 17848578). A different variant (p.Val767fs) that lies downstream of this variant has been reported to affect BARD1 protein function (PMID: 30925164), this suggests that disruption of this region of the protein is causative of disease. In summary, the currently available evidence indicates that the variant is pathogenic, but additional data are needed to prove that conclusively. Therefore, this variant has been classified as Likely Pathogenic.

Literature cited by the submitters: PubMed 17848578; PubMed 30925164.